The following is an entry in ClinVar:

NM_001384474.1(LOXHD1):c.488del (p.Phe163fs)

Gene: LOXHD1 (lipoxygenase homology PLAT domains 1; minus strand). Cytogenetic location: 18q21.1.
Variant type: Deletion.
Coding change: c.488del on transcript NM_001384474.1 (MANE Select); coding-DNA position 488, one base deleted (T; older notation c.488delT).
Protein change: p.Phe163fs; shifts the reading frame from phenylalanine 163.
Molecular consequence: frameshift variant.
Genome position (GRCh38, 1-based): chr18:46,639,639, A deleted on the plus strand (T on the coding strand, the reverse complement: LOXHD1 is on the minus strand); the first of 2 consecutive A bases (chr18:46,639,639-46,639,640); deleting either gives the same sequence. VCF-style (leftmost placement, unchanged base first): chr18-46639638-GA-G. GRCh37 (hg19) VCF-style: chr18-44219601-GA-G.
Other names: c.488del, p.Phe163fs (NM_144612.7); short protein forms F163fs.
Identifiers: ClinVar variation 2881599 (VCV002881599.4), dbSNP rs2511996791, ClinGen allele CA2739268668.

ClinVar aggregate classification (germline): Pathogenic/Likely pathogenic. Review status: criteria provided, multiple submitters, no conflicts (2 of 4 stars). 2 submissions from 2 submitters: Pathogenic (1); Likely pathogenic (1). Last evaluated 2024-03-29.

Conditions:
Autosomal recessive nonsyndromic hearing loss 77. Identifiers: Orphanet 90636, MedGen C2746083, MONDO:0013119, OMIM 613079.

Submissions (2):

Genomic Medicine Center of Excellence, King Faisal Specialist Hospital and Research Centre
Classification: Likely pathogenic for Autosomal recessive nonsyndromic hearing loss 77. Last evaluated: 2024-03-29. Review status: criteria provided, single submitter. Criteria: ACMG Guidelines, 2015. Collection method: clinical testing. Allele origin: germline.

Labcorp Genetics (formerly Invitae), Labcorp
Classification: Pathogenic. Last evaluated: 2023-02-06. Review status: criteria provided, single submitter. Criteria: Invitae Variant Classification Sherloc (09022015). Collection method: clinical testing. Allele origin: germline.
Comment: This variant is not present in population databases (gnomAD no frequency). This variant has not been reported in the literature in individuals affected with LOXHD1-related conditions. For these reasons, this variant has been classified as Pathogenic. This sequence change creates a premature translational stop signal (p.Phe163Serfs*21) in the LOXHD1 gene. It is expected to result in an absent or disrupted protein product. Loss-of-function variants in LOXHD1 are known to be pathogenic (PMID: 19732867, 21465660, 25792669).

Literature cited by the submitters: PubMed 19732867 (cited by Labcorp Genetics (formerly Invitae), Labcorp); PubMed 21465660 (cited by Labcorp Genetics (formerly Invitae), Labcorp); PubMed 25792669 (cited by Labcorp Genetics (formerly Invitae), Labcorp).